The following is an entry in ClinVar:

ClinVar aggregate classification (germline): Uncertain significance (1 of 4 stars; one submission).

Submission:

Labcorp Genetics (formerly Invitae), Labcorp
Classification: Uncertain significance. Last evaluated: 2022-08-23. Review status: criteria provided, single submitter. Criteria: Invitae Variant Classification Sherloc (09022015). Collection method: clinical testing. Allele origin: germline.
Comment: This variant is present in population databases (rs782644354, gnomAD 0.02%). In summary, the available evidence is currently insufficient to determine the role of this variant in disease. Therefore, it has been classified as a Variant of Uncertain Significance. Algorithms developed to predict the effect of missense changes on protein structure and function are either unavailable or do not agree on the potential impact of this missense change (SIFT: "Deleterious"; PolyPhen-2: "Benign"; Align-GVGD: "Class C0"). This variant has not been reported in the literature in individuals affected with ATP6AP1-related conditions. This sequence change replaces valine, which is neutral and non-polar, with methionine, which is neutral and non-polar, at codon 385 of the ATP6AP1 protein (p.Val385Met).

NM_001183.6(ATP6AP1):c.1153G>A (p.Val385Met)

Gene: ATP6AP1 (ATPase H+ transporting accessory protein 1; plus strand). Cytogenetic location: Xq28.
Variant type: single nucleotide variant.
Coding change: c.1153G>A on transcript NM_001183.6 (MANE Select); coding-DNA position 1153, G replaced by A.
Protein change: p.Val385Met; replaces valine 385 with methionine.
Molecular consequence: missense variant.
Genome position (GRCh38, 1-based): chrX:154,435,455, G>A. VCF-style: chrX-154435455-G-A. GRCh37 (hg19) VCF-style: chrX-153663801-G-A.
Other names: short protein forms V385M.
Identifiers: ClinVar variation 1928480 (VCV001928480.5), dbSNP rs782644354, ClinGen allele CA10562766.